The following is an entry in ClinVar:

NM_177438.3(DICER1):c.4638C>G (p.Tyr1546Ter)

Gene: DICER1 (dicer 1, ribonuclease III; minus strand). Cytogenetic location: 14q32.13.
Variant type: single nucleotide variant.
Coding change: c.4638C>G on transcript NM_177438.3 (MANE Select); coding-DNA position 4638, C replaced by G.
Protein change: p.Tyr1546Ter; replaces tyrosine 1546 with a stop codon.
Molecular consequence: nonsense. On other transcripts: non-coding transcript variant (6).
Genome position (GRCh38, 1-based): chr14:95,096,282, G>C on the plus strand (C>G on the coding strand, the complement: DICER1 is on the minus strand). VCF-style: chr14-95096282-G-C. GRCh37 (hg19) VCF-style: chr14-95562619-G-C.
Other names: c.4071C>G, p.Tyr1357Ter (NM_001395691.1); c.4638C>G, p.Tyr1546Ter (NM_001395692.1, NM_001395693.1, NM_001395694.1 and 13 more transcripts); c.4233C>G, p.Tyr1411Ter (NM_001395696.1, NM_001395687.1, NM_001395688.1 and 2 more transcripts); c.2955C>G, p.Tyr985Ter (NM_001395697.1); c.4356C>G, p.Tyr1452Ter (NM_001395686.1); short protein forms Y1357*, Y1411*, Y1546*, Y1452*, Y985*.
Identifiers: ClinVar variation 2730632 (VCV002730632.5), dbSNP rs773822569, ClinGen allele CA390867637.

ClinVar aggregate classification (germline): Pathogenic/Likely pathogenic. Review status: criteria provided, multiple submitters, no conflicts (2 of 4 stars). 3 submissions from 3 submitters: Pathogenic (2); Likely pathogenic (1). Last evaluated 2026-05-27.

Conditions:
DICER1-related tumor predisposition. Also called: DICER1 syndrome; DICER1-related pleuropulmonary blastoma cancer predisposition syndrome. Identifiers: Orphanet 284343, MedGen C3839822, MONDO:0100216.
Hereditary cancer-predisposing syndrome. Also called: Tumor predisposition; Hereditary neoplastic syndrome; Neoplastic Syndromes, Hereditary; Hereditary Cancer Syndrome. Identifiers: Orphanet 140162, MedGen C0027672, MeSH D009386, MONDO:0015356.

Submissions (3):

Ambry Genetics
Classification: Pathogenic for Hereditary cancer-predisposing syndrome. Last evaluated: 2026-05-27. Review status: criteria provided, single submitter. Criteria: Ambry Variant Classification Scheme 2023. Collection method: clinical testing. Allele origin: germline.
Comment: The p.Y1546* pathogenic mutation (also known as c.4638C>G), located in coding exon 22 of the DICER1 gene, results from a C to G substitution at nucleotide position 4638. This changes the amino acid from a tyrosine to a stop codon within coding exon 22. This variant is considered to be rare based on population cohorts in the Genome Aggregation Database (gnomAD). This alteration is expected to result in loss of function by premature protein truncation or nonsense-mediated mRNA decay. As such, this alteration is interpreted as a disease-causing mutation.

Labcorp Genetics (formerly Invitae), Labcorp
Classification: Pathogenic for DICER1-related tumor predisposition. Last evaluated: 2023-08-16. Review status: criteria provided, single submitter. Criteria: Invitae Variant Classification Sherloc (09022015). Collection method: clinical testing. Allele origin: germline.
Comment: For these reasons, this variant has been classified as Pathogenic. This variant has not been reported in the literature in individuals affected with DICER1-related conditions. This variant is not present in population databases (gnomAD no frequency). This sequence change creates a premature translational stop signal (p.Tyr1546*) in the DICER1 gene. It is expected to result in an absent or disrupted protein product. Loss-of-function variants in DICER1 are known to be pathogenic (PMID: 19556464, 21266384).

Institute for Genomic Medicine (IGM) Clinical Laboratory, Nationwide Children's Hospital
Classification: Likely pathogenic for DICER1-related tumor predisposition. Last evaluated: 2023-03-28. Review status: criteria provided, single submitter. Criteria: ACMG Guidelines, 2015. Collection method: clinical testing. Allele origin: germline.
Comment: This variant is predicted to result in loss of function through nonsense-mediated decay of the encoded transcript or premature truncation of the encoded protein in a gene in which loss of function is a known mechanism of disease (ACMG/AMP: PVS1). This variant is absent from or present at an exceedingly low frequency in gnomAD, a large-scale control population database (ACMG/AMP: PM2).

Literature cited by the submitters: PubMed 19556464 (cited by Labcorp Genetics (formerly Invitae), Labcorp); PubMed 21266384 (cited by Labcorp Genetics (formerly Invitae), Labcorp).